The following is an entry in ClinVar:

NM_002016.2(FLG):c.10361T>C (p.Val3454Ala)

Genes: CCDST (cervical cancer associated DHX9 suppressive transcript; plus strand), FLG (filaggrin; minus strand). Cytogenetic location: 1q21.3.
Variant type: single nucleotide variant.
Coding change: c.10361T>C on transcript NM_002016.2 (MANE Select); coding-DNA position 10361, T replaced by C.
Protein change: p.Val3454Ala; replaces valine 3454 with alanine.
Molecular consequence: missense variant.
Genome position (GRCh38, 1-based): chr1:152,304,525, A>G on the plus strand (T>C on the coding strand, the complement: FLG is on the minus strand). VCF-style: chr1-152304525-A-G. GRCh37 (hg19) VCF-style: chr1-152277001-A-G.
Other names: short protein forms V3454A.
Identifiers: ClinVar variation 2210245 (VCV002210245.3), dbSNP rs748893057, ClinGen allele CA1103383.
Genomic context (GRCh38, chr1:152,304,525, plus strand): 5'-TCAGACCTTCCCTGGGATGTGGTGTGGCTGTGATGGGACCCTGAGTGTCCAGACCTATCT[A>G]CCGATTGCTCGTAGTGGGATCCCTGCCTTCCTCTTCTGCTTGACCCCGGGTGTCCACGAA-3'
Protein context (NP_002007.1, residues 3444-3464): GRQGSHYEQS[Val3454Ala]DRSGHSGSHH

ClinVar aggregate classification (germline): Uncertain significance. Review status: criteria provided, multiple submitters, no conflicts (2 of 4 stars). 2 submissions from 2 submitters: Uncertain significance (2). Last evaluated 2024-06-28.

Conditions:
Inborn genetic diseases. Identifiers: MedGen C0950123, MeSH D030342.

Allele frequency attached by ClinVar (database versions not stated): TOPMed 0.00002; gnomAD 0.00003.
gnomAD v4.1: 21 of 1,611,934 alleles (0.0013%); highest among the groups gnomAD compares: African/African-American, 0.012%; no homozygotes.

Submissions (2):

GeneDx
Classification: Uncertain significance. Last evaluated: 2024-06-28. Review status: criteria provided, single submitter. Criteria: GeneDx Variant Classification Process June 2021. Collection method: clinical testing. Allele origin: germline. Affected: yes.
Comment: In silico analysis indicates that this missense variant does not alter protein structure/function; Has not been previously published as pathogenic or benign to our knowledge

Ambry Genetics
Classification: Uncertain significance for Inborn genetic diseases. Last evaluated: 2021-08-09. Review status: criteria provided, single submitter. Criteria: Ambry Variant Classification Scheme 2023. Collection method: clinical testing. Allele origin: germline.